The following is an entry in ClinVar:

ClinVar aggregate classification (germline): Benign. Review status: criteria provided, multiple submitters, no conflicts (2 of 4 stars). 2 submissions from 2 submitters: Benign (2). Last evaluated 2018-06-14.

Allele frequency attached by ClinVar (database versions not stated): gnomAD exomes 0.05830; gnomAD 0.08509 and 0.08524; 1000 Genomes Project 0.07628; 1000 Genomes Project 30x 0.07917; TOPMed 0.08656.

Submissions (2):

GeneDx
Classification: Benign. Last evaluated: 2018-06-14. Review status: criteria provided, single submitter. Criteria: GeneDx Variant Classification (06012015). Collection method: clinical testing. Allele origin: germline. Affected: yes.
Comment: This variant is considered likely benign or benign based on one or more of the following criteria: it is a conservative change, it occurs at a poorly conserved position in the protein, it is predicted to be benign by multiple in silico algorithms, and/or has population frequency not consistent with disease.

Breakthrough Genomics
Classification: Benign. Review status: criteria provided, single submitter. Criteria: ACMG Guidelines, 2015. Collection method: not provided. Allele origin: germline. Inheritance: Autosomal recessive inheritance. Affected: yes.

NM_001909.4(CTSD):c.-312A>G

Genes: CTSD (cathepsin D; minus strand), LOC130005119 (ATAC-STARR-seq lymphoblastoid silent region 3058; plus strand). Cytogenetic location: 11p15.5.
Variant type: single nucleotide variant.
Coding change: c.-312A>G on transcript NM_001909.4; 312 bases upstream of the start codon, A replaced by G.
Genome position (GRCh38, 1-based): chr11:1,764,171, T>C on the plus strand (A>G on the coding strand, the complement: CTSD is on the minus strand). VCF-style: chr11-1764171-T-C. GRCh37 (hg19) VCF-style: chr11-1785401-T-C.
Identifiers: ClinVar variation 669403 (VCV000669403.4), dbSNP rs144932926, ClinGen allele CA216184070.